The following is an entry in ClinVar:

NM_001320.7(CSNK2B):c.109A>C (p.Thr37Pro)

Gene: CSNK2B (casein kinase 2 beta; plus strand). Cytogenetic location: 6p21.33.
Variant type: single nucleotide variant.
Coding change: c.109A>C on transcript NM_001320.7 (MANE Select); coding-DNA position 109, A replaced by C.
Protein change: p.Thr37Pro; replaces threonine 37 with proline.
Molecular consequence: missense variant.
Genome position (GRCh38, 1-based): chr6:31,667,904, A>C. VCF-style: chr6-31667904-A-C. GRCh37 (hg19) VCF-style: chr6-31635681-A-C.
Other names: c.109A>C, p.Thr37Pro (NM_001282385.2); short protein forms T37P.
Identifiers: ClinVar variation 3774652 (VCV003774652.1).

ClinVar aggregate classification (germline): Uncertain significance (1 of 4 stars; one submission).

Submission:

GeneDx
Classification: Uncertain significance. Last evaluated: 2024-09-24. Review status: criteria provided, single submitter. Criteria: GeneDx Variant Classification Process June 2021. Collection method: clinical testing. Allele origin: germline. Affected: yes.
Comment: Not observed at significant frequency in large population cohorts (gnomAD); In silico analysis supports that this missense variant has a deleterious effect on protein structure/function; Has not been previously published as pathogenic or benign to our knowledge